The following is an entry in ClinVar:

ClinVar aggregate classification (germline): Uncertain significance. Review status: criteria provided, multiple submitters, no conflicts (2 of 4 stars). 5 submissions from 5 submitters: Uncertain significance (5). Last evaluated 2025-05-26.

Conditions:
Inborn genetic diseases. Identifiers: MedGen C0950123, MeSH D030342.
Epilepsy. Also called: Seizure disorder. Identifiers: MedGen C0014544, MeSH D004827, MONDO:0005027.

Allele frequency attached by ClinVar (database versions not stated): TOPMed 0.00003; gnomAD 0.00007.
gnomAD v4.1: 65 of 1,604,072 alleles (0.0041%); highest among the groups gnomAD compares: Non-Finnish European, 0.0052%; no homozygotes.

Submissions (5):

Ambry Genetics
Classification: Uncertain significance for Inborn genetic diseases. Last evaluated: 2025-05-26. Review status: criteria provided, single submitter. Criteria: Ambry Variant Classification Scheme 2023. Collection method: clinical testing. Allele origin: germline.

Blueprint Genetics
Classification: Uncertain significance. Last evaluated: 2024-06-27. Review status: criteria provided, single submitter. Criteria: ACMG Guidelines, 2015. Collection method: clinical testing. Allele origin: germline.

Labcorp Genetics (formerly Invitae), Labcorp
Classification: Uncertain significance for Epilepsy. Last evaluated: 2023-11-19. Review status: criteria provided, single submitter. Criteria: Invitae Variant Classification Sherloc (09022015). Collection method: clinical testing. Allele origin: germline.
Comment: This sequence change replaces arginine, which is basic and polar, with histidine, which is basic and polar, at codon 171 of the PIGQ protein (p.Arg171His). This variant is present in population databases (rs775456149, gnomAD 0.004%). This variant has not been reported in the literature in individuals affected with PIGQ-related conditions. ClinVar contains an entry for this variant (Variation ID: 843815). An algorithm developed to predict the effect of missense changes on protein structure and function (PolyPhen-2) suggests that this variant¬†is likely to be tolerated. In summary, the available evidence is currently insufficient to determine the role of this variant in disease. Therefore, it has been classified as a Variant of Uncertain Significance.

CeGaT Center for Human Genetics Tuebingen
Classification: Uncertain significance. Last evaluated: 2022-08-01. Review status: criteria provided, single submitter. Criteria: CeGaT Center For Human Genetics Tuebingen Variant Classification Criteria Version 2. Collection method: clinical testing. Allele origin: germline. Affected: yes. Observed: 1 variant allele.
Comment: PIGQ: PM2, BP4

GeneDx
Classification: Uncertain significance. Last evaluated: 2021-08-04. Review status: criteria provided, single submitter. Criteria: GeneDx Variant Classification Process June 2021. Collection method: clinical testing. Allele origin: germline. Affected: yes.
Comment: In silico analysis supports that this missense variant has a deleterious effect on protein structure/function; Has not been previously published as pathogenic or benign to our knowledge

NM_004204.5(PIGQ):c.512G>A (p.Arg171His)

Gene: PIGQ (phosphatidylinositol glycan anchor biosynthesis class Q; plus strand). Cytogenetic location: 16p13.3.
Variant type: single nucleotide variant.
Coding change: c.512G>A on transcript NM_004204.5 (MANE Select); coding-DNA position 512, G replaced by A.
Protein change: p.Arg171His; replaces arginine 171 with histidine.
Molecular consequence: missense variant.
Genome position (GRCh38, 1-based): chr16:574,586, G>A. VCF-style: chr16-574586-G-A. GRCh37 (hg19) VCF-style: chr16-624586-G-A.
Other names: c.512G>A, p.Arg171His (NM_148920.4); c.512G>A (NM_148920.1); short protein forms R171H.
Identifiers: ClinVar variation 843815 (VCV000843815.36), dbSNP rs775456149, ClinGen allele CA7779895.